The following is an entry in ClinVar:

ClinVar aggregate classification (germline): Likely benign (3 of 4 stars; one submission).

Conditions:
Hereditary factor VIII deficiency disease (HEMA). Also called: HEMOPHILIA, CLASSIC; AUTOSOMAL HEMOPHILIA A; Hemophilia A; Hemophilia A, congenital; HEM A; Factor 8 deficiency, congenital. Identifiers: Orphanet 98878, MedGen C0019069, MONDO:0010602, OMIM 306700.

gnomAD v4.1: 8 of 1,181,139 alleles (0.00068%); highest among the groups gnomAD compares: Middle Eastern, 0.07%; no homozygotes.

Submission:

ClinGen Coagulation Factor Deficiency Variant Curation Expert Panel, Clingen
Classification: Likely benign for Hereditary factor VIII deficiency disease. Last evaluated: 2025-08-15. Review status: reviewed by expert panel. Criteria: ClinGen CoagFactor ACMG Specifications F8 V1.0.0. Collection method: curation. Allele origin: germline. Inheritance: X-linked inheritance.
Comment: The c.5586+27A>C variant is absent from males in gnomAD v2.1.1 and v3, meeting PM2_Supporting. SpliceAI predicts no impact on splicing due to this variant: 0.00 scores for acceptor loss/gain and donor loss. A donor gain 27bp downstream is predicted with a low score of 0.01. The nucleotide appears to be not conserved based on agreement between PhyloP and PhastCons. PhyloP score: -595433 and PhastCons score: 0.0. BP4 and BP7 are applied based on SpliceAI predictions and conservation. In summary, based on the evidence available at this time, the clinical significance of this variant is likely benign. ACMG/AMP criteria applied, as specified by the Coagulation Factor Deficiency Variant Curation Expert Panel for F8/F9: PM2_Supporting, BP4, BP7.

NM_000132.4(F8):c.5586+27A>C

Gene: F8 (coagulation factor VIII; minus strand). Cytogenetic location: Xq28.
Variant type: single nucleotide variant.
Coding change: c.5586+27A>C on transcript NM_000132.4 (MANE Select); 27 bases into the intron after coding-DNA position 5586, A replaced by C.
Molecular consequence: intron variant.
Genome position (GRCh38, 1-based): chrX:154,904,784, T>G on the plus strand (A>C on the coding strand, the complement: F8 is on the minus strand). VCF-style: chrX-154904784-T-G. GRCh37 (hg19) VCF-style: chrX-154133059-T-G.
Other names: NM_000132.4:c.5586+27A>C.
Identifiers: ClinVar variation 4087774 (VCV004087774.1).